The following is an entry in ClinVar:

ClinVar aggregate classification (germline): Uncertain significance (1 of 4 stars; one submission).

Conditions:
Emery-Dreifuss muscular dystrophy 4, autosomal dominant (EDMD4). Also called: EMERY-DREIFUSS MUSCULAR DYSTROPHY 4 WITH VARIABLE FEATURES. Identifiers: Orphanet 261, MedGen C2751807, MONDO:0013071, OMIM 612998.
Autosomal recessive ataxia, Beauce type. Also called: Spinocerebellar ataxia, autosomal recessive 8; ATAXIA, RECESSIVE, OF BEAUCE; SYNE1 Deficiency; SYNE1-Related Autosomal Recessive Cerebellar Ataxia. Identifiers: Orphanet 88644, MedGen C1853116, MONDO:0012549, OMIM 610743.

Submission:

Labcorp Genetics (formerly Invitae), Labcorp
Classification: Uncertain significance for Emery-Dreifuss muscular dystrophy 4, autosomal dominant; Autosomal recessive ataxia, Beauce type. Last evaluated: 2025-10-21. Review status: criteria provided, single submitter. Criteria: Invitae Variant Classification Sherloc (09022015). Collection method: clinical testing. Allele origin: germline.
Comment: This sequence change replaces glutamic acid, which is acidic and polar, with glutamine, which is neutral and polar, at codon 7616 of the SYNE1 protein (p.Glu7616Gln). This variant is not present in population databases (gnomAD no frequency). This variant has not been reported in the literature in individuals affected with SYNE1-related conditions. ClinVar contains an entry for this variant (Variation ID: 1522137). An algorithm developed to predict the effect of missense changes on protein structure and function (PolyPhen-2) suggests that this variant is likely to be disruptive. In summary, the available evidence is currently insufficient to determine the role of this variant in disease. Therefore, it has been classified as a Variant of Uncertain Significance.

NM_182961.4(SYNE1):c.23059G>C (p.Glu7687Gln)

Gene: SYNE1 (spectrin repeat containing nuclear envelope protein 1; minus strand). Cytogenetic location: 6q25.2.
Variant type: single nucleotide variant.
Coding change: c.23059G>C on transcript NM_182961.4 (MANE Select); coding-DNA position 23059, G replaced by C.
Protein change: p.Glu7687Gln; replaces glutamic acid 7687 with glutamine.
Molecular consequence: missense variant.
Genome position (GRCh38, 1-based): chr6:152,201,910, C>G on the plus strand (G>C on the coding strand, the complement: SYNE1 is on the minus strand). VCF-style: chr6-152201910-C-G. GRCh37 (hg19) VCF-style: chr6-152523045-C-G.
Other names: c.22846G>C, p.Glu7616Gln (NM_033071.5); short protein forms E7616Q, E7687Q.
Identifiers: ClinVar variation 1522137 (VCV001522137.5), dbSNP rs768705708, ClinGen allele CA150168476.